The following is an entry in ClinVar:

ClinVar aggregate classification (germline): Likely benign. Review status: criteria provided, multiple submitters, no conflicts (2 of 4 stars). 3 submissions from 3 submitters: Likely benign (2). 1 of the submissions does not count toward it. Last evaluated 2025-11-03.

Conditions:
GRM1-related disorder. Also called: GRM1-related condition.

Allele frequency attached by ClinVar (database versions not stated): gnomAD exomes 0.00006; ExAC 0.00018; ESP Exome Variant Server 0.00046; TOPMed 0.00073; gnomAD 0.00080; 1000 Genomes Project 30x 0.00109; 1000 Genomes Project 0.00120.
gnomAD v4.1: 225 of 1,600,690 alleles (0.014%); highest among the groups gnomAD compares: African/African-American, 0.25%; 1 homozygote.

Submissions (3):

Labcorp Genetics (formerly Invitae), Labcorp
Classification: Likely benign. Last evaluated: 2025-11-03. Review status: criteria provided, single submitter. Criteria: Invitae Variant Classification Sherloc (09022015). Collection method: clinical testing. Allele origin: germline.

Mayo Clinic Laboratories, Mayo Clinic
Classification: Likely benign. Last evaluated: 2025-06-24. Review status: criteria provided, single submitter. Criteria: ACMG Guidelines, 2015. Collection method: clinical testing. Allele origin: germline. Observed: 2 variant alleles.
Comment: BS1, BP4

PreventionGenetics, part of Exact Sciences
Classification: Likely benign for GRM1-related condition. Last evaluated: 2023-11-28. Review status: no assertion criteria provided. Collection method: clinical testing. Allele origin: germline. Not counted in ClinVar's aggregate classification.
Comment: This variant is classified as likely benign based on ACMG/AMP sequence variant interpretation guidelines (Richards et al. 2015 PMID: 25741868, with internal and published modifications).

Literature cited by the submitters: PubMed 19146831 (cited by Mayo Clinic Laboratories, Mayo Clinic).

NM_001278064.2(GRM1):c.3043C>T (p.Pro1015Ser)

Gene: GRM1 (glutamate metabotropic receptor 1; plus strand). Cytogenetic location: 6q24.3.
Variant type: single nucleotide variant.
Coding change: c.3043C>T on transcript NM_001278064.2 (MANE Select); coding-DNA position 3043, C replaced by T.
Protein change: p.Pro1015Ser; replaces proline 1015 with serine.
Molecular consequence: missense variant. On other transcripts: 3 prime UTR variant (3).
Genome position (GRCh38, 1-based): chr6:146,434,254, C>T. VCF-style: chr6-146434254-C-T. GRCh37 (hg19) VCF-style: chr6-146755390-C-T.
Other names: p.Pro1015Ser; c.*407C>T (NM_001278065.2); c.*372C>T (NM_001278066.1); c.*281C>T (NM_001278067.1); c.3043C>T (NM_001278064.1); short protein forms P1015S.
Identifiers: ClinVar variation 2068855 (VCV002068855.7), dbSNP rs145345975, ClinGen allele CA4037603.